The following is an entry in ClinVar:

NM_016529.6(ATP8A2):c.3358C>T (p.Arg1120Trp)

Gene: ATP8A2 (ATPase phospholipid transporting 8A2). Cytogenetic location: 13q12.13.
Variant type: single nucleotide variant.
Coding change: c.3358C>T on transcript NM_016529.6 (MANE Select); coding-DNA position 3358, C replaced by T.
Protein change: p.Arg1120Trp; replaces arginine 1120 with tryptophan.
Molecular consequence: missense variant.
Genome position (GRCh38, 1-based): chr13:25,968,660, C>T. VCF-style: chr13-25968660-C-T. GRCh37 (hg19) VCF-style: chr13-26542798-C-T.
Other names: c.3358C>T (NM_016529.4); c.3163C>T, p.Arg1055Trp (NM_001313741.1); c.3283C>T, p.Arg1095Trp (NM_001411005.1); short protein forms R1095W, R1055W, R1120W.
Identifiers: ClinVar variation 1913114 (VCV001913114.6), dbSNP rs576337442, ClinGen allele CA6923699.

ClinVar aggregate classification (germline): Uncertain significance. Review status: criteria provided, multiple submitters, no conflicts (2 of 4 stars). 2 submissions from 2 submitters: Uncertain significance (2). Last evaluated 2023-12-22.

Conditions:
Inborn genetic diseases. Identifiers: MedGen C0950123, MeSH D030342.

Allele frequency attached by ClinVar (database versions not stated): TOPMed below 0.00001.
gnomAD v4.1: 36 of 1,613,190 alleles (0.0022%); highest among the groups gnomAD compares: South Asian, 0.028%; 1 homozygote.

Submissions (2):

Ambry Genetics
Classification: Uncertain significance for Inborn genetic diseases. Last evaluated: 2023-12-22. Review status: criteria provided, single submitter. Criteria: Ambry Variant Classification Scheme 2023. Collection method: clinical testing. Allele origin: germline.

Labcorp Genetics (formerly Invitae), Labcorp
Classification: Uncertain significance. Last evaluated: 2022-02-10. Review status: criteria provided, single submitter. Criteria: Invitae Variant Classification Sherloc (09022015). Collection method: clinical testing. Allele origin: germline.
Comment: In summary, the available evidence is currently insufficient to determine the role of this variant in disease. Therefore, it has been classified as a Variant of Uncertain Significance. Algorithms developed to predict the effect of missense changes on protein structure and function are either unavailable or do not agree on the potential impact of this missense change (SIFT: "Deleterious"; PolyPhen-2: "Possibly Damaging"; Align-GVGD: "Class C0"). This variant has not been reported in the literature in individuals affected with ATP8A2-related conditions. This variant is present in population databases (rs576337442, gnomAD 0.03%). This sequence change replaces arginine, which is basic and polar, with tryptophan, which is neutral and slightly polar, at codon 1120 of the ATP8A2 protein (p.Arg1120Trp).